The following is an entry in ClinVar:

NM_000246.4(CIITA):c.2959C>T (p.Gln987Ter)

Gene: CIITA (class II major histocompatibility complex transactivator; plus strand). Cytogenetic location: 16p13.13.
Variant type: single nucleotide variant.
Coding change: c.2959C>T on transcript NM_000246.4 (MANE Select); coding-DNA position 2959, C replaced by T.
Protein change: p.Gln987Ter; replaces glutamine 987 with a stop codon.
Molecular consequence: nonsense. On other transcripts: non-coding transcript variant (1).
Genome position (GRCh38, 1-based): chr16:10,915,640, C>T. VCF-style: chr16-10915640-C-T. GRCh37 (hg19) VCF-style: chr16-11009497-C-T.
Other names: c.2962C>T, p.Gln988Ter (NM_001286402.1, NM_001379332.1); c.1207C>T, p.Gln403Ter (NM_001286403.2); c.2815C>T, p.Gln939Ter (NM_001379330.1); c.2812C>T, p.Gln938Ter (NM_001379331.1); c.2959C>T, p.Gln987Ter (NM_001379333.1); c.2890C>T, p.Gln964Ter (NM_001379334.1); short protein forms Q403*, Q938*, Q939*, Q964*, Q987*, Q988*.
Identifiers: ClinVar variation 4817977 (VCV004817977.3).

ClinVar aggregate classification (germline): Pathogenic/Likely pathogenic. Review status: criteria provided, multiple submitters, no conflicts (2 of 4 stars). 2 submissions from 2 submitters: Pathogenic (1); Likely pathogenic (1). Last evaluated 2026-05-01.

Conditions:
MHC class II deficiency. Also called: Bare lymphocyte syndrome 2; BLS, TYPE II. Identifiers: Orphanet 572, MedGen C5447452, MONDO:0008855.

Submissions (2):

CeGaT Center for Human Genetics Tuebingen
Classification: Pathogenic. Last evaluated: 2026-05-01. Review status: criteria provided, single submitter. Criteria: CeGaT Center For Human Genetics Tuebingen Variant Classification Criteria Version 2. Collection method: clinical testing. Allele origin: germline. Affected: yes. Observed: 1 variant allele.
Comment: CIITA: PVS1, PM2, PM3:Supporting, PP4

Natera, Inc.
Classification: Likely pathogenic for Bare lymphocyte syndrome type II. Last evaluated: 2024-04-15. Review status: criteria provided, single submitter. Criteria: Natera Variant Classification Schema (03/2026). Collection method: clinical testing. Allele origin: germline.
Comment: The c.2959C>T variant in CIITA is a nonsense variant predicted to introduce a stop codon at amino acid 987. This variant is expected to result in nonsense mediated decay, truncation, or a dysfunctional protein product. This variant is rare in the general population with a frequency below the threshold expected for the associated phenotype(s). Given the available evidence, this variant is classified as Likely Pathogenic.